The following is an entry in ClinVar:

ClinVar aggregate classification (germline): Uncertain significance. Review status: criteria provided, multiple submitters, no conflicts (2 of 4 stars). 2 submissions from 2 submitters: Uncertain significance (2). Last evaluated 2024-06-21.

Allele frequency attached by ClinVar (database versions not stated): gnomAD exomes below 0.00001; ExAC 0.00001.
gnomAD v4.1: 5 of 1,613,712 alleles (0.00031%); highest among the groups gnomAD compares: Admixed American, 0.0017%; no homozygotes.

Submissions (2):

Blueprint Genetics
Classification: Uncertain significance. Last evaluated: 2024-06-21. Review status: criteria provided, single submitter. Criteria: ACMG Guidelines, 2015. Collection method: clinical testing. Allele origin: germline.

Labcorp Genetics (formerly Invitae), Labcorp
Classification: Uncertain significance. Last evaluated: 2021-12-02. Review status: criteria provided, single submitter. Criteria: Invitae Variant Classification Sherloc (09022015). Collection method: clinical testing. Allele origin: germline.
Comment: In summary, the available evidence is currently insufficient to determine the role of this variant in disease. Therefore, it has been classified as a Variant of Uncertain Significance. Advanced modeling of protein sequence and biophysical properties (such as structural, functional, and spatial information, amino acid conservation, physicochemical variation, residue mobility, and thermodynamic stability) performed at Invitae indicates that this missense variant is expected to disrupt CYP4V2 protein function. This variant has not been reported in the literature in individuals affected with CYP4V2-related conditions. This variant is present in population databases (rs769612802, gnomAD 0.003%). This sequence change replaces isoleucine, which is neutral and non-polar, with valine, which is neutral and non-polar, at codon 158 of the CYP4V2 protein (p.Ile158Val).

NM_207352.4(CYP4V2):c.472A>G (p.Ile158Val)

Gene: CYP4V2 (cytochrome P450 family 4 subfamily V member 2; plus strand). Cytogenetic location: 4q35.1.
Variant type: single nucleotide variant.
Coding change: c.472A>G on transcript NM_207352.4 (MANE Select); coding-DNA position 472, A replaced by G.
Protein change: p.Ile158Val; replaces isoleucine 158 with valine.
Molecular consequence: missense variant.
Genome position (GRCh38, 1-based): chr4:186,196,998, A>G. VCF-style: chr4-186196998-A-G. GRCh37 (hg19) VCF-style: chr4-187118152-A-G.
Other names: short protein forms I158V.
Identifiers: ClinVar variation 1934474 (VCV001934474.6), dbSNP rs769612802, ClinGen allele CA3162569.